The following is an entry in ClinVar:

NM_001754.5(RUNX1):c.806-13del

Gene: RUNX1 (RUNX family transcription factor 1; minus strand). Cytogenetic location: 21q22.12.
Variant type: Deletion.
Coding change: c.806-13del on transcript NM_001754.5 (MANE Select); 13 bases into the intron before coding-DNA position 806, one base deleted (T; older notation c.806-13delT).
Molecular consequence: intron variant.
Genome position (GRCh38, 1-based): chr21:34,799,475, A deleted on the plus strand (T on the coding strand, the reverse complement: RUNX1 is on the minus strand). VCF-style (leftmost placement, unchanged base first): chr21-34799474-CA-C. GRCh37 (hg19) VCF-style: chr21-36171771-CA-C.
Other names: c.725-13del (NM_001001890.3).
Identifiers: ClinVar variation 2186306 (VCV002186306.5), dbSNP rs898709346, ClinGen allele CA320255686.

ClinVar aggregate classification (germline): Likely benign. Review status: reviewed by expert panel (3 of 4 stars). 2 submissions from 2 submitters: Likely benign (1). 1 of the submissions does not count toward it. Last evaluated 2024-11-04.

Conditions:
Hereditary thrombocytopenia and hematologic cancer predisposition syndrome. Identifiers: Orphanet 71290, MedGen CN281654, MONDO:0011071.
Hereditary thrombocytopenia and hematological cancer predisposition syndrome associated with RUNX1. Also called: Familial Platelet Disorder with Propensity to Acute Myelogenous Leukemia; Familial thrombocytopenia with propensity to acute myelogenous leukemia; PLATELET DISORDER, ASPIRIN-LIKE; RUNX1 Familial Platelet Disorder with Associated Myeloid Malignancies. Identifiers: Orphanet 71290, MedGen C1832388, MeSH C563324, MONDO:0100083, OMIM 601399.

Allele frequency attached by ClinVar (database versions not stated): gnomAD exomes below 0.00001; gnomAD 0.00001; TOPMed 0.00002.

Submissions (2):

ClinGen Myeloid Malignancy Variant Curation Expert Panel
Classification: Likely benign for Hereditary thrombocytopenia and hematologic cancer predisposition syndrome. Last evaluated: 2024-11-04. Review status: reviewed by expert panel. Criteria: ClinGen MyeloMalig ACMG Specifications v2. Collection method: curation. Allele origin: germline. Inheritance: Autosomal dominant inheritance.
Comment: NM_001754.5(RUNX1):c.806-13del is an intronic variant which has not been featured in functional or case studies. Computational data has been used to evaluate this variant. It has a SpliceAI score of 0.03 and a PhyloP score of 1.9, allowing for the application of both BP4 and BP7. In summary, this variant meets criteria to be classified as likely benign. ACMG/AMP criteria applied, as specified by the Myeloid Malignancy Variant Curation Expert Panel for RUNX1: BP4, BP7.

Labcorp Genetics (formerly Invitae), Labcorp
Classification: Likely benign for Hereditary thrombocytopenia and hematological cancer predisposition syndrome associated with RUNX1. Last evaluated: 2022-05-07. Review status: criteria provided, single submitter. Criteria: Invitae Variant Classification Sherloc (09022015). Collection method: clinical testing. Allele origin: germline. Not counted in ClinVar's aggregate classification.